The following is an entry in ClinVar:

NM_005559.4(LAMA1):c.6736A>G (p.Thr2246Ala)

Gene: LAMA1 (laminin subunit alpha 1; minus strand). Cytogenetic location: 18p11.31.
Variant type: single nucleotide variant.
Coding change: c.6736A>G on transcript NM_005559.4 (MANE Select); coding-DNA position 6736, A replaced by G.
Protein change: p.Thr2246Ala; replaces threonine 2246 with alanine.
Molecular consequence: missense variant.
Genome position (GRCh38, 1-based): chr18:6,973,095, T>C on the plus strand (A>G on the coding strand, the complement: LAMA1 is on the minus strand). VCF-style: chr18-6973095-T-C. GRCh37 (hg19) VCF-style: chr18-6973094-T-C.
Other names: short protein forms T2246A.
Identifiers: ClinVar variation 2046668 (VCV002046668.4), dbSNP rs1600361335, ClinGen allele CA401828516.

ClinVar aggregate classification (germline): Uncertain significance (1 of 4 stars; one submission).

Submission:

Labcorp Genetics (formerly Invitae), Labcorp
Classification: Uncertain significance. Last evaluated: 2025-03-31. Review status: criteria provided, single submitter. Criteria: Invitae Variant Classification Sherloc (09022015). Collection method: clinical testing. Allele origin: germline.
Comment: This sequence change replaces threonine, which is neutral and polar, with alanine, which is neutral and non-polar, at codon 2246 of the LAMA1 protein (p.Thr2246Ala). This variant is not present in population databases (gnomAD no frequency). This variant has not been reported in the literature in individuals affected with LAMA1-related conditions. ClinVar contains an entry for this variant (Variation ID: 2046668). An algorithm developed to predict the effect of missense changes on protein structure and function (PolyPhen-2) suggests that this variant is likely to be disruptive. In summary, the available evidence is currently insufficient to determine the role of this variant in disease. Therefore, it has been classified as a Variant of Uncertain Significance.